The following is an entry in ClinVar:

ClinVar aggregate classification (germline): Uncertain significance (1 of 4 stars; one submission).

Conditions:
DICER1-related tumor predisposition. Also called: DICER1 syndrome; DICER1-related pleuropulmonary blastoma cancer predisposition syndrome. Identifiers: Orphanet 284343, MedGen C3839822, MONDO:0100216.

Submission:

Labcorp Genetics (formerly Invitae), Labcorp
Classification: Uncertain significance for DICER1-related tumor predisposition. Last evaluated: 2025-01-21. Review status: criteria provided, single submitter. Criteria: Invitae Variant Classification Sherloc (09022015). Collection method: clinical testing. Allele origin: germline.
Comment: This sequence change replaces threonine, which is neutral and polar, with isoleucine, which is neutral and non-polar, at codon 432 of the DICER1 protein (p.Thr432Ile). This variant is not present in population databases (gnomAD no frequency). This variant has not been reported in the literature in individuals affected with DICER1-related conditions. Invitae Evidence Modeling of protein sequence and biophysical properties (such as structural, functional, and spatial information, amino acid conservation, physicochemical variation, residue mobility, and thermodynamic stability) indicates that this missense variant is not expected to disrupt DICER1 protein function with a negative predictive value of 95%. In summary, the available evidence is currently insufficient to determine the role of this variant in disease. Therefore, it has been classified as a Variant of Uncertain Significance.

NM_177438.3(DICER1):c.1295C>T (p.Thr432Ile)

Gene: DICER1 (dicer 1, ribonuclease III; minus strand). Cytogenetic location: 14q32.13.
Variant type: single nucleotide variant.
Coding change: c.1295C>T on transcript NM_177438.3 (MANE Select); coding-DNA position 1295, C replaced by T.
Protein change: p.Thr432Ile; replaces threonine 432 with isoleucine.
Molecular consequence: missense variant. On other transcripts: 5 prime UTR variant (1), non-coding transcript variant (6).
Genome position (GRCh38, 1-based): chr14:95,124,277, G>A on the plus strand (C>T on the coding strand, the complement: DICER1 is on the minus strand). VCF-style: chr14-95124277-G-A. GRCh37 (hg19) VCF-style: chr14-95590614-G-A.
Other names: c.1295C>T, p.Thr432Ile (NM_001195573.1, NM_001271282.3, NM_001291628.2 and 14 more transcripts); c.1013C>T, p.Thr338Ile (NM_001395686.1); c.890C>T, p.Thr297Ile (NM_001395687.1, NM_001395688.1, NM_001395689.1 and 3 more transcripts); c.728C>T, p.Thr243Ile (NM_001395691.1); c.-274C>T (NM_001395697.1); short protein forms T338I, T432I, T243I, T297I.
Identifiers: ClinVar variation 3720210 (VCV003720210.2).